The following is an entry in ClinVar:

ClinVar aggregate classification (germline): Likely pathogenic (1 of 4 stars; one submission).

Conditions:
Polydactyly, postaxial, type A8. Identifiers: MedGen C4748277, MONDO:0029130, OMIM 618123.

Submission:

HudsonAlpha Institute for Biotechnology
Classification: Likely pathogenic for Polydactyly, postaxial, type A8. Last evaluated: 2020-07-14. Review status: criteria provided, single submitter. Criteria: ACMG Guidelines, 2015. Collection method: research. Allele origin: maternal. Observed: 1 variant allele. Study: CSER-SouthSeq.
Comment: ACMG codes:PVS1, PM2

NM_005269.3(GLI1):c.985A>T (p.Lys329Ter)

Gene: GLI1 (GLI family zinc finger 1; plus strand). Cytogenetic location: 12q13.3.
Variant type: single nucleotide variant.
Coding change: c.985A>T on transcript NM_005269.3 (MANE Select); coding-DNA position 985, A replaced by T.
Protein change: p.Lys329Ter; replaces lysine 329 with a stop codon.
Molecular consequence: nonsense.
Genome position (GRCh38, 1-based): chr12:57,467,405, A>T. VCF-style: chr12-57467405-A-T. GRCh37 (hg19) VCF-style: chr12-57861188-A-T.
Other names: c.601A>T, p.Lys201Ter (NM_001160045.2); c.862A>T, p.Lys288Ter (NM_001167609.2); short protein forms K201*, K288*, K329*.
Identifiers: ClinVar variation 982420 (VCV000982420.1), dbSNP rs1871565914, ClinGen allele CA385465212.